The following is an entry in ClinVar:

ClinVar aggregate classification (germline): Uncertain significance (1 of 4 stars; one submission).

Conditions:
Inborn genetic diseases. Identifiers: MedGen C0950123, MeSH D030342.

gnomAD v4.1: 1 of 1,612,134 alleles (0.000062%); highest among the groups gnomAD compares: East Asian, 0.0022%; no homozygotes.

Submission:

Ambry Genetics
Classification: Uncertain significance for Inborn genetic diseases. Last evaluated: 2023-07-28. Review status: criteria provided, single submitter. Criteria: Ambry Variant Classification Scheme 2023. Collection method: clinical testing. Allele origin: germline.
Comment: The p.E523A variant (also known as c.1568A>C), located in coding exon 12 of the EPAS1 gene, results from an A to C substitution at nucleotide position 1568. The glutamic acid at codon 523 is replaced by alanine, an amino acid with dissimilar properties. This amino acid position is conserved. In addition, the in silico prediction for this alteration is inconclusive. Since supporting evidence is limited at this time, the clinical significance of this alteration remains unclear.

NM_001430.5(EPAS1):c.1568A>C (p.Glu523Ala)

Gene: EPAS1 (endothelial PAS domain protein 1; plus strand). Cytogenetic location: 2p21.
Variant type: single nucleotide variant.
Coding change: c.1568A>C on transcript NM_001430.5 (MANE Select); coding-DNA position 1568, A replaced by C.
Protein change: p.Glu523Ala; replaces glutamic acid 523 with alanine.
Molecular consequence: missense variant.
Genome position (GRCh38, 1-based): chr2:46,380,240, A>C. VCF-style: chr2-46380240-A-C. GRCh37 (hg19) VCF-style: chr2-46607379-A-C.
Other names: short protein forms E523A.
Identifiers: ClinVar variation 1775414 (VCV001775414.3), dbSNP rs1335877576, ClinGen allele CA346704404.